The following is an entry in ClinVar:

ClinVar aggregate classification (germline): Benign/Likely benign. Review status: criteria provided, single submitter (1 of 4 stars). 3 submissions from 1 submitter: Benign (2); Likely benign (1). Last evaluated 2018-01-12.

Conditions:
Mastocytosis. Also called: Mast Cell Disease. Identifiers: Orphanet 98292, MedGen C0024899, MONDO:0007950, HP:0100495.
Gastrointestinal stromal tumor. Also called: Gastrointestinal stromal tumor, somatic; Gastrointestinal stroma tumor. Identifiers: Orphanet 44890, MedGen C0238198, MeSH D046152, MONDO:0011719, OMIM 606764, HP:0100723.
Piebaldism. Also called: Piebald skin depigmentation. Identifiers: Orphanet 2884, MedGen C0080024, MONDO:0008244, OMIM 172800, HP:0007544.

Allele frequency attached by ClinVar (database versions not stated): gnomAD exomes 0.00181; gnomAD 0.00863 and 0.00931; TOPMed 0.00979; 1000 Genomes Project 30x 0.00984; 1000 Genomes Project 0.01018.
gnomAD v4.1: 1,455 of 233,510 alleles (0.62%); highest among the groups gnomAD compares: African/African-American, 3%; 23 homozygotes.

Submissions (3):

Illumina Laboratory Services, Illumina
Classification: Benign for Gastrointestinal stromal tumor. Last evaluated: 2018-01-12. Review status: criteria provided, single submitter. Criteria: ICSL Variant Classification Criteria 13 December 2019. Collection method: clinical testing. Allele origin: germline.
Comment: This variant was observed in the ICSL laboratory as part of a predisposition screen in an ostensibly healthy population. It had not been previously curated by ICSL or reported in the Human Gene Mutation Database (HGMD: prior to June 1st, 2018), and was therefore a candidate for classification through an automated scoring system. Utilizing variant allele frequency, disease prevalence and penetrance estimates, and inheritance mode, an automated score was calculated to assess if this variant is too frequent to cause the disease. Based on the score and internal cut-off values, a variant classified as benign is not then subjected to further curation. The score for this variant resulted in a classification of benign for this disease.

Illumina Laboratory Services, Illumina
Classification: Benign for Cutaneous mastocytosis. Last evaluated: 2018-01-12. Review status: criteria provided, single submitter. Criteria: ICSL Variant Classification Criteria 13 December 2019. Collection method: clinical testing. Allele origin: germline.
Comment: the same text as in the submission from Illumina Laboratory Services, Illumina above.

Illumina Laboratory Services, Illumina
Classification: Likely benign for Piebaldism. Last evaluated: 2018-01-12. Review status: criteria provided, single submitter. Criteria: ICSL Variant Classification Criteria 13 December 2019. Collection method: clinical testing. Allele origin: germline.
Comment: This variant was observed in the ICSL laboratory as part of a predisposition screen in an ostensibly healthy population. It had not been previously curated by ICSL or reported in the Human Gene Mutation Database (HGMD: prior to June 1st, 2018), and was therefore a candidate for classification through an automated scoring system. Utilizing variant allele frequency, disease prevalence and penetrance estimates, and inheritance mode, an automated score was calculated to assess if this variant is too frequent to cause the disease. Based on the score and internal cut-off values, a variant classified as likely benign is not then subjected to further curation. The score for this variant resulted in a classification of likely benign for this disease.

NM_000222.3(KIT):c.*1241G>A

Gene: KIT (KIT proto-oncogene, receptor tyrosine kinase; plus strand). Cytogenetic location: 4q12.
Variant type: single nucleotide variant.
Coding change: c.*1241G>A on transcript NM_000222.3 (MANE Select); 1241 bases downstream of the stop codon, G replaced by A.
Molecular consequence: 3 prime UTR variant.
Genome position (GRCh38, 1-based): chr4:54,739,798, G>A. VCF-style: chr4-54739798-G-A. GRCh37 (hg19) VCF-style: chr4-55605964-G-A.
Other names: c.*1241G>A (NM_001093772.2, NM_001385284.1, NM_001385285.1 and 4 more transcripts).
Identifiers: ClinVar variation 348969 (VCV000348969.5), dbSNP rs114377961, ClinGen allele CA10621215.